The following is an entry in ClinVar:

ClinVar aggregate classification (germline): Pathogenic (1 of 4 stars; one submission).

Submission:

Labcorp Genetics (formerly Invitae), Labcorp
Classification: Pathogenic. Last evaluated: 2021-08-05. Review status: criteria provided, single submitter. Criteria: Invitae Variant Classification Sherloc (09022015). Collection method: clinical testing. Allele origin: germline.
Comment: For these reasons, this variant has been classified as Pathogenic. This variant has not been reported in the literature in individuals with PROM1-related conditions. This variant is not present in population databases (ExAC no frequency). This sequence change creates a premature translational stop signal (p.Ser550Lysfs*2) in the PROM1 gene. It is expected to result in an absent or disrupted protein product. Loss-of-function variants in PROM1 are known to be pathogenic (PMID: 17605048, 19718270, 24154662).

Literature cited by the submitters: PubMed 17605048; PubMed 19718270; PubMed 24154662.

NM_006017.3(PROM1):c.1648_1651del (p.Ser550fs)

Gene: PROM1 (prominin 1; minus strand). Cytogenetic location: 4p15.32.
Variant type: Deletion.
Coding change: c.1648_1651del on transcript NM_006017.3 (MANE Select); coding-DNA positions 1648 to 1651, 4 bases deleted (TCAA; older notation c.1648_1651delTCAA).
Protein change: p.Ser550fs; shifts the reading frame from serine 550.
Molecular consequence: frameshift variant.
Genome position (GRCh38, 1-based): chr4:15,998,416-15,998,419, TTGA deleted on the plus strand (TCAA on the coding strand, the reverse complement: PROM1 is on the minus strand); deleting any 4 consecutive bases within chr4:15,998,416-15,998,421 gives the same sequence; the c. name uses the placement nearest the transcript's 3' end. VCF-style (leftmost placement, unchanged base first): chr4-15998415-TTTGA-T. GRCh37 (hg19) VCF-style: chr4-16000038-TTTGA-T.
Other names: c.1621_1624del, p.Ser541fs (NM_001145847.2, NM_001145848.2, NM_001145851.2 and 4 more transcripts); c.1648_1651del, p.Ser550fs (NM_001145849.2, NM_001145850.2); short protein forms S550fs, S541fs.
Identifiers: ClinVar variation 1367385 (VCV001367385.6), dbSNP rs2149169604, ClinGen allele CA1139532870.
Genomic context (GRCh38, chr4:15,998,415, plus strand): 5'-TAGCGAAATGTATAATGCAAATATTGATACCTGTAAACTTGTTCAAAAGTGAGCTTCATT[TTTGA>T]TTTATTAAATAGCTTCCCAGAGAGATAGTATTCCCAGTCTTCATTTAGTAAGTAGGGTGT-3'